The following is an entry in ClinVar:

ClinVar aggregate classification (germline): Uncertain significance (1 of 4 stars; one submission).

Conditions:
Developmental delay, behavioral abnormalities, and neuropsychiatric disorders (DEDBANP). Identifiers: MedGen C5774224, MONDO:0859292, OMIM 620065.

Submission:

MVZ Medizinische Genetik Mainz
Classification: Uncertain significance for Developmental delay, behavioral abnormalities, and neuropsychiatric disorders. Last evaluated: 2022-11-18. Review status: criteria provided, single submitter. Criteria: UK Practice Guidelines For Variant Classification V4 01 2020. Collection method: clinical testing. Allele origin: germline. Inheritance: Autosomal dominant inheritance. Affected: yes. Observed: 1 variant allele.
Comment: ACMG Criteria: PM2_SUP,PP2,PP3

NM_014921.5(ADGRL1):c.2644G>T (p.Gly882Trp)

Genes: ADGRL1 (adhesion G protein-coupled receptor L1; minus strand), ADGRL1-AS1 (ADGRL1 antisense RNA 1; plus strand). Cytogenetic location: 19p13.12.
Variant type: single nucleotide variant.
Coding change: c.2644G>T on transcript NM_014921.5 (MANE Select); coding-DNA position 2644, G replaced by T.
Protein change: p.Gly882Trp; replaces glycine 882 with tryptophan.
Molecular consequence: missense variant.
Genome position (GRCh38, 1-based): chr19:14,157,352, C>A on the plus strand (G>T on the coding strand, the complement: ADGRL1 is on the minus strand). VCF-style: chr19-14157352-C-A. GRCh37 (hg19) VCF-style: chr19-14268164-C-A.
Other names: c.2659G>T, p.Gly887Trp (NM_001008701.3); short protein forms G882W, G887W.
Identifiers: ClinVar variation 3068406 (VCV003068406.1), dbSNP rs2512805657, ClinGen allele CA404401003.
Genomic context (GRCh38, chr19:14,157,352, plus strand): 5'-CAGCCAGGAAGAGGTTGATGCACAGGTTCTTGTGGATGGTGTTGCGGTCGGTCTGCAGCC[C>A]CCGCAGGAAGCAGAAGGTGGAGATGCAGATGGCCAAGCAGACCAGGGAGATCACAATGCC-3'
Protein context (NP_055736.2, residues 872-892): ICISTFCFLR[Gly882Trp]LQTDRNTIHK